The following is an entry in ClinVar:

NM_022436.3(ABCG5):c.43C>T (p.Leu15Phe)

Gene: ABCG5 (ATP binding cassette subfamily G member 5; minus strand). Cytogenetic location: 2p21.
Variant type: single nucleotide variant.
Coding change: c.43C>T on transcript NM_022436.3 (MANE Select); coding-DNA position 43, C replaced by T.
Protein change: p.Leu15Phe; replaces leucine 15 with phenylalanine.
Molecular consequence: missense variant.
Genome position (GRCh38, 1-based): chr2:43,838,637, G>A on the plus strand (C>T on the coding strand, the complement: ABCG5 is on the minus strand). VCF-style: chr2-43838637-G-A. GRCh37 (hg19) VCF-style: chr2-44065776-G-A.
Other names: short protein forms L15F.
Identifiers: ClinVar variation 1902038 (VCV001902038.5), dbSNP rs372312214, ClinGen allele CA346662072.

ClinVar aggregate classification (germline): Uncertain significance (1 of 4 stars; one submission).

Conditions:
Sitosterolemia (STSL). Also called: PHYTOSTEROLEMIA. Identifiers: Orphanet 2882, MedGen C0342907, MONDO:0008863.

Submission:

Labcorp Genetics (formerly Invitae), Labcorp
Classification: Uncertain significance for Sitosterolemia. Last evaluated: 2022-02-22. Review status: criteria provided, single submitter. Criteria: Invitae Variant Classification Sherloc (09022015). Collection method: clinical testing. Allele origin: germline.
Comment: This sequence change replaces leucine, which is neutral and non-polar, with phenylalanine, which is neutral and non-polar, at codon 15 of the ABCG5 protein (p.Leu15Phe). This variant is not present in population databases (gnomAD no frequency). This variant has not been reported in the literature in individuals affected with ABCG5-related conditions. Algorithms developed to predict the effect of missense changes on protein structure and function (SIFT, PolyPhen-2, Align-GVGD) all suggest that this variant is likely to be tolerated. In summary, the available evidence is currently insufficient to determine the role of this variant in disease. Therefore, it has been classified as a Variant of Uncertain Significance.